The following is an entry in ClinVar:

NM_212482.4(FN1):c.3253+4A>C

Gene: FN1 (fibronectin 1; minus strand). Cytogenetic location: 2q35.
Variant type: single nucleotide variant.
Coding change: c.3253+4A>C on transcript NM_212482.4 (MANE Select); 4 bases into the intron after coding-DNA position 3253, A replaced by C.
Molecular consequence: intron variant.
Genome position (GRCh38, 1-based): chr2:215,404,385, T>G on the plus strand (A>C on the coding strand, the complement: FN1 is on the minus strand). VCF-style: chr2-215404385-T-G. GRCh37 (hg19) VCF-style: chr2-216269108-T-G.
Other names: c.3253+4A>C (NM_212474.3, NM_001306132.2, NM_001365523.2 and 13 more transcripts).
Identifiers: ClinVar variation 3027329 (VCV003027329.22), dbSNP rs1220192811, ClinGen allele CA764567569.

ClinVar aggregate classification (germline): Uncertain significance (1 of 4 stars; one submission).

Allele frequency attached by ClinVar (database versions not stated): TOPMed below 0.00001; gnomAD 0.00001.
gnomAD v4.1: 1 of 1,613,838 alleles (0.000062%); highest among the groups gnomAD compares: East Asian, 0.0022%; no homozygotes.

Submission:

CeGaT Center for Human Genetics Tuebingen
Classification: Uncertain significance. Last evaluated: 2024-02-01. Review status: criteria provided, single submitter. Criteria: CeGaT Center For Human Genetics Tuebingen Variant Classification Criteria Version 2. Collection method: clinical testing. Allele origin: germline. Affected: yes. Observed: 1 variant allele.
Comment: FN1: PM2